The following is an entry in ClinVar:

NM_000222.3(KIT):c.2461_2469del (p.Ser821_Tyr823del)

Gene: KIT (KIT proto-oncogene, receptor tyrosine kinase; plus strand). Cytogenetic location: 4q12.
Variant type: Deletion.
Coding change: c.2461_2469del on transcript NM_000222.3 (MANE Select); coding-DNA positions 2461 to 2469, 9 bases deleted (TCTAATTAT; older notation c.2461_2469delTCTAATTAT).
Protein change: p.Ser821_Tyr823del.
Molecular consequence: inframe deletion.
Genome position (GRCh38, 1-based): chr4:54,733,169-54,733,177, TCTAATTAT deleted; deleting any 9 consecutive bases within chr4:54,733,167-54,733,177 gives the same sequence; the c. name uses the placement nearest the transcript's 3' end. VCF-style (leftmost placement, unchanged base first): chr4-54733166-GATTCTAATT-G. GRCh37 (hg19) VCF-style: chr4-55599332-GATTCTAATT-G.
Other names: c.2449_2457del, p.Ser817_Tyr819del (NM_001093772.2, NM_001385292.1); c.2464_2472del, p.Ser822_Tyr824del (NM_001385284.1); c.2458_2466del, p.Ser820_Tyr822del (NM_001385285.1); c.2446_2454del, p.Ser816_Tyr818del (NM_001385286.1); c.2452_2460del, p.Ser818_Tyr820del (NM_001385288.1); c.2461_2469del, p.Ser821_Tyr823del (NM_001385290.1).
Identifiers: ClinVar variation 4721105 (VCV004721105.1).

ClinVar aggregate classification (germline): Uncertain significance (1 of 4 stars; one submission).

Conditions:
Gastrointestinal stromal tumor. Also called: Gastrointestinal stromal tumor, somatic; Gastrointestinal stroma tumor. Identifiers: Orphanet 44890, MedGen C0238198, MeSH D046152, MONDO:0011719, OMIM 606764, HP:0100723.

Submission:

Labcorp Genetics (formerly Invitae), Labcorp
Classification: Uncertain significance for Gastrointestinal stromal tumor. Last evaluated: 2025-06-10. Review status: criteria provided, single submitter. Criteria: Invitae Variant Classification Sherloc (09022015). Collection method: clinical testing. Allele origin: germline.
Comment: This variant, c.2461_2469del, results in the deletion of 3 amino acid(s) of the KIT protein (p.Ser821_Tyr823del), but otherwise preserves the integrity of the reading frame. This variant is not present in population databases (gnomAD no frequency). This variant has not been reported in the literature in individuals affected with KIT-related conditions. Experimental studies and prediction algorithms are not available or were not evaluated, and the functional significance of this variant is currently unknown. In summary, the available evidence is currently insufficient to determine the role of this variant in disease. Therefore, it has been classified as a Variant of Uncertain Significance.